The following is an entry in ClinVar:

ClinVar aggregate classification (germline): Uncertain significance (1 of 4 stars; one submission).

Conditions:
Finnish congenital nephrotic syndrome (NPHS1). Also called: NEPHROTIC SYNDROME, TYPE 1. Identifiers: Orphanet 839, MedGen C0403399, MONDO:0009732, OMIM 256300.

Allele frequency attached by ClinVar (database versions not stated): gnomAD exomes below 0.00001.
gnomAD v4.1: 2 of 1,603,482 alleles (0.00012%); highest among the groups gnomAD compares: South Asian, 0.0022%; no homozygotes.

Submission:

3billion
Classification: Uncertain significance for Finnish congenital nephrotic syndrome. Last evaluated: 2022-03-22. Review status: criteria provided, single submitter. Criteria: ACMG Guidelines, 2015. Collection method: clinical testing. Allele origin: germline. Affected: yes. Observed: 1 heterozygote.
Comment: The variant is not observed in the gnomAD v2.1.1 dataset. Therefore, this variant is classified as uncertain significance according to the recommendation of ACMG/AMP guideline.

NM_004646.4(NPHS1):c.1758-10G>A

Gene: NPHS1 (NPHS1 adhesion molecule, nephrin; minus strand). Cytogenetic location: 19q13.12.
Variant type: single nucleotide variant.
Coding change: c.1758-10G>A on transcript NM_004646.4 (MANE Select); 10 bases into the intron before coding-DNA position 1758, G replaced by A.
Molecular consequence: intron variant.
Genome position (GRCh38, 1-based): chr19:35,845,550, C>T on the plus strand (G>A on the coding strand, the complement: NPHS1 is on the minus strand). VCF-style: chr19-35845550-C-T. GRCh37 (hg19) VCF-style: chr19-36336452-C-T.
Identifiers: ClinVar variation 1526246 (VCV001526246.1), dbSNP rs2146823474, ClinGen allele CA633060890.
Genomic context (GRCh38, chr19:35,845,550, plus strand): 5'-GCGGAGCCTTTGAATGGGGCTCTCCGGGGTGGGGCGGCCACGCCCTCCAGCCTGTGGAAC[C>T]GGGGTCAAGCCAGGGCTGCGAGCGGAGCCAGAGGCTGGAGAGGCACTAGGCGGGGGCGGG-3'